The following is an entry in ClinVar:

NM_001321142.2(CIDEC):c.33C>G (p.Leu11=)

Gene: CIDEC (cell death inducing DFFA like effector c; minus strand). Cytogenetic location: 3p25.3.
Variant type: single nucleotide variant.
Coding change: c.33C>G on transcript NM_001321142.2 (MANE Select); coding-DNA position 33, C replaced by G.
Protein change: p.Leu11=; no amino-acid change (leucine 11 retained).
Molecular consequence: synonymous variant. On other transcripts: 5 prime UTR variant (2).
Genome position (GRCh38, 1-based): chr3:9,878,454, G>C on the plus strand (C>G on the coding strand, the complement: CIDEC is on the minus strand). VCF-style: chr3-9878454-G-C. GRCh37 (hg19) VCF-style: chr3-9920138-G-C.
Other names: p.Leu24=; c.33C>G, p.Leu11= (NM_022094.3, NM_001199551.2, NM_001199552.2 and 1 more transcripts); c.72C>G, p.Leu24= (NM_001199623.2); c.-36C>G (NM_001321143.2, NM_001321144.2); c.72C>G (NM_001199623.1).
Identifiers: ClinVar variation 128772 (VCV000128772.13), dbSNP rs17851444, ClinGen allele CA214480.

ClinVar aggregate classification (germline): Benign. Review status: criteria provided, multiple submitters, no conflicts (2 of 4 stars). 5 submissions from 5 submitters: Benign (3). 2 of the submissions do not count toward it. Last evaluated 2022-05-05.

Conditions:
CIDEC-related disorder. Also called: CIDEC-related condition.

Allele frequency attached by ClinVar (database versions not stated): gnomAD exomes 0.10912 and 0.11983; 1000 Genomes Project 30x 0.08276; TOPMed 0.08943; ExAC 0.11314; gnomAD 0.09372 and 0.09630; ESP Exome Variant Server 0.10587; 1000 Genomes Project 0.08506.
gnomAD v4.1: 189,343 of 1,612,418 alleles (12%); highest among the groups gnomAD compares: South Asian, 16%; 11,893 homozygotes.

Submissions (5):

Mayo Clinic Laboratories, Mayo Clinic
Classification: Benign. Last evaluated: 2022-05-05. Review status: criteria provided, single submitter. Criteria: ACMG Guidelines, 2015. Collection method: clinical testing. Allele origin: germline. Observed: 90 variant alleles.

GeneDx
Classification: Benign. Last evaluated: 2018-11-10. Review status: criteria provided, single submitter. Criteria: GeneDx Variant Classification Process June 2021. Collection method: clinical testing. Allele origin: germline. Affected: yes.

Breakthrough Genomics
Classification: Benign. Review status: criteria provided, single submitter. Criteria: ACMG Guidelines, 2015. Collection method: not provided. Allele origin: germline. Inheritance: Autosomal recessive inheritance. Affected: yes.

PreventionGenetics, part of Exact Sciences
Classification: Benign for CIDEC-related condition. Last evaluated: 2019-09-24. Review status: no assertion criteria provided. Collection method: clinical testing. Allele origin: germline. Not counted in ClinVar's aggregate classification.
Comment: This variant is classified as benign based on ACMG/AMP sequence variant interpretation guidelines (Richards et al. 2015 PMID: 25741868, with internal and published modifications).

Genetic Services Laboratory, University of Chicago
Classification: Likely benign for AllHighlyPenetrant. Review status: no assertion criteria provided. Collection method: clinical testing. Allele origin: germline. Inheritance: Autosomal recessive inheritance. Not counted in ClinVar's aggregate classification.
Comment: Likely benign based on allele frequency in 1000 Genomes Project or ESP global frequency and its presence in a patient with a rare or unrelated disease phenotype. NOT Sanger confirmed.